The following is an entry in ClinVar:

ClinVar aggregate classification (germline): Conflicting classifications of pathogenicity. Review status: criteria provided, conflicting classifications (1 of 4 stars). 9 submissions from 8 submitters: Uncertain significance (1); Benign (4); Likely benign (2). 2 of the submissions do not count toward it. Last evaluated 2026-02-01.

Conditions:
CDH23-related disorder. Also called: CDH23-related disorders; CDH23-related condition.
Usher syndrome type 1 (USH1). Also called: RETINITIS PIGMENTOSA AND CONGENITAL DEAFNESS. Identifiers: Orphanet 231169, Orphanet 886, MedGen C1568247, MONDO:0010168, OMIM 276900.
Autosomal recessive nonsyndromic hearing loss 12. Also called: DEAFNESS, AUTOSOMAL RECESSIVE 12. Identifiers: Orphanet 90636, MedGen C1832394, MONDO:0011067, OMIM 601386.
Usher syndrome type 1D (USH1D). Also called: USHER SYNDROME, TYPE ID. Identifiers: Orphanet 231169, Orphanet 886, MedGen C1832845, MONDO:0010984, OMIM 601067.

Allele frequency attached by ClinVar (database versions not stated): gnomAD exomes 0.00058 and 0.00163; ExAC 0.00219; 1000 Genomes Project 0.00559; gnomAD 0.00618 and 0.00664; 1000 Genomes Project 30x 0.00625; ESP Exome Variant Server 0.00726; TOPMed 0.00753.
gnomAD v4.1: 1,812 of 1,613,606 alleles (0.11%); highest among the groups gnomAD compares: African/African-American, 2.1%; 13 homozygotes.

Submissions (9):

Labcorp Genetics (formerly Invitae), Labcorp
Classification: Benign. Last evaluated: 2026-02-01. Review status: criteria provided, single submitter. Criteria: Invitae Variant Classification Sherloc (09022015). Collection method: clinical testing. Allele origin: germline.

Blueprint Genetics
Classification: Likely benign. Last evaluated: 2024-10-04. Review status: criteria provided, single submitter. Criteria: ACMG Guidelines, 2015. Collection method: clinical testing. Allele origin: germline.

GeneDx
Classification: Benign. Last evaluated: 2019-04-30. Review status: criteria provided, single submitter. Criteria: GeneDx Variant Classification Process June 2021. Collection method: clinical testing. Allele origin: germline. Affected: yes.

Athena Diagnostics
Classification: Benign. Last evaluated: 2018-11-12. Review status: criteria provided, single submitter. Criteria: Athena Diagnostics Criteria. Collection method: clinical testing. Allele origin: germline.

Illumina Laboratory Services, Illumina
Classification: Likely benign for Usher syndrome type 1D. Last evaluated: 2018-01-13. Review status: criteria provided, single submitter. Criteria: ICSL Variant Classification Criteria 13 December 2019. Collection method: clinical testing. Allele origin: germline.
Comment: This variant was observed in the ICSL laboratory as part of a predisposition screen in an ostensibly healthy population. It had not been previously curated by ICSL or reported in the Human Gene Mutation Database (HGMD: prior to June 1st, 2018), and was therefore a candidate for classification through an automated scoring system. Utilizing variant allele frequency, disease prevalence and penetrance estimates, and inheritance mode, an automated score was calculated to assess if this variant is too frequent to cause the disease. Based on the score and internal cut-off values, a variant classified as likely benign is not then subjected to further curation. The score for this variant resulted in a classification of likely benign for this disease.

Illumina Laboratory Services, Illumina
Classification: Uncertain significance for Autosomal recessive nonsyndromic hearing loss 12. Last evaluated: 2018-01-13. Review status: criteria provided, single submitter. Criteria: ICSL Variant Classification Criteria 13 December 2019. Collection method: clinical testing. Allele origin: germline.

Laboratory for Molecular Medicine, Mass General Brigham Personalized Medicine
Classification: Benign. Last evaluated: 2011-10-24. Review status: criteria provided, single submitter. Criteria: LMM Criteria. Collection method: clinical testing. Allele origin: germline. Observed: 10 variant alleles.
Comment: Lys779Lys in exon 22 of CDH23: This variant is not expected to have clinical sig nificance because it does not alter an amino acid residue, is not located near a splice junction and has been identified in 1.1% (14/1273) of chromosomes from a broad population (dbSNP rs111033461).

PreventionGenetics, part of Exact Sciences
Classification: Benign for CDH23-related condition. Last evaluated: 2019-12-10. Review status: no assertion criteria provided. Collection method: clinical testing. Allele origin: germline. Not counted in ClinVar's aggregate classification.
Comment: This variant is classified as benign based on ACMG/AMP sequence variant interpretation guidelines (Richards et al. 2015 PMID: 25741868, with internal and published modifications).

Natera, Inc.
Classification: Benign for Usher syndrome type 1. Last evaluated: 2019-10-21. Review status: no assertion criteria provided. Collection method: clinical testing. Allele origin: germline. Not counted in ClinVar's aggregate classification.

NM_022124.6(CDH23):c.2337G>A (p.Lys779=)

Gene: CDH23 (cadherin related 23; plus strand). Cytogenetic location: 10q22.1.
Variant type: single nucleotide variant.
Coding change: c.2337G>A on transcript NM_022124.6 (MANE Select); coding-DNA position 2337, G replaced by A.
Protein change: p.Lys779=; no amino-acid change (lysine 779 retained).
Molecular consequence: synonymous variant.
Genome position (GRCh38, 1-based): chr10:71,695,465, G>A. VCF-style: chr10-71695465-G-A. GRCh37 (hg19) VCF-style: chr10-73455222-G-A.
Other names: c.2337G>A, p.Lys779= (NM_001171930.2, NM_001171931.2).
Identifiers: ClinVar variation 45895 (VCV000045895.25), dbSNP rs111033461, ClinGen allele CA137324.